The following is an entry in ClinVar:

NM_007215.4(POLG2):c.1062C>G (p.Phe354Leu)

Genes: MILR1 (mast cell immunoglobulin like receptor 1; plus strand), POLG2 (DNA polymerase gamma 2, accessory subunit; minus strand). Cytogenetic location: 17q23.3.
Variant type: single nucleotide variant.
Coding change: c.1062C>G on transcript NM_007215.4 (MANE Select); coding-DNA position 1062, C replaced by G.
Protein change: p.Phe354Leu; replaces phenylalanine 354 with leucine.
Molecular consequence: missense variant.
Genome position (GRCh38, 1-based): chr17:64,485,776, G>C on the plus strand (C>G on the coding strand, the complement: POLG2 is on the minus strand). VCF-style: chr17-64485776-G-C. GRCh37 (hg19) VCF-style: chr17-62481893-G-C.
Other names: short protein forms F354L.
Identifiers: ClinVar variation 3343937 (VCV003343937.1).

ClinVar aggregate classification (germline): Uncertain significance (1 of 4 stars; one submission).

Submission:

GeneDx
Classification: Uncertain significance. Last evaluated: 2024-01-24. Review status: criteria provided, single submitter. Criteria: GeneDx Variant Classification Process June 2021. Collection method: clinical testing. Allele origin: germline. Affected: yes.
Comment: Not observed at significant frequency in large population cohorts (gnomAD); In silico analysis supports that this missense variant does not alter protein structure/function; Has not been previously published as pathogenic or benign to our knowledge